The following is an entry in ClinVar:

NM_000492.4(CFTR):c.1766+1G>T

Gene: CFTR (CF transmembrane conductance regulator; plus strand). Cytogenetic location: 7q31.2.
Variant type: single nucleotide variant.
Coding change: c.1766+1G>T on transcript NM_000492.4 (MANE Select); the canonical splice donor site of the intron after coding-DNA position 1766, G replaced by T.
Molecular consequence: splice donor variant.
Genome position (GRCh38, 1-based): chr7:117,590,440, G>T. VCF-style: chr7-117590440-G-T. GRCh37 (hg19) VCF-style: chr7-117230494-G-T.
Identifiers: ClinVar variation 53377 (VCV000053377.48), dbSNP rs121908748, ClinGen allele CA326660.
Genomic context (GRCh38, chr7:117,590,440, plus strand): 5'-TTTATTAGACTCTCCTTTTGGATACCTAGATGTTTTAACAGAAAAAGAAATATTTGAAAG[G>T]TATGTTCTTTGAATACCTTACTTATAATGCTCATGCTAAAATAAAAGAAAGACAGACTGT-3'

ClinVar aggregate classification (germline): Pathogenic. Review status: reviewed by expert panel (3 of 4 stars). 5 submissions from 5 submitters: Pathogenic (1). 4 of the submissions do not count toward it. Last evaluated 2017-12-08.

Conditions:
CFTR-related disorder (CFTR-RD). Also called: CFTR-related disorders; CFTR-related condition. Identifiers: MedGen C5924204, MONDO:7770004.
Cystic fibrosis (CF). Also called: MUCOVISCIDOSIS. Identifiers: Orphanet 586, MedGen C0010674, MONDO:0009061, OMIM 219700. Disease mechanism: loss of function.

Submissions (5):

CFTR2
Classification: Pathogenic for Cystic fibrosis. Last evaluated: 2017-12-08. Review status: reviewed by expert panel. Criteria: Sosnay PR et al. (Nat Genet 2013). Collection method: research. Allele origin: germline. Affected: yes.

Natera, Inc.
Classification: Pathogenic for CFTR-related disorders. Last evaluated: 2025-02-24. Review status: criteria provided, single submitter. Criteria: Natera Variant Classification Schema (03/2026). Collection method: clinical testing. Allele origin: germline. Not counted in ClinVar's aggregate classification.
Comment: The c.1766+1G>T variant in CFTR is a canonical splice donor site variant predicted to affect pre-mRNA splicing, which may result in an abnormal transcript and altered protein product. This variant is expected to result in nonsense mediated decay, truncation, or a dysfunctional protein product. This variant is rare in the general population with a frequency below the threshold expected for the associated phenotype(s). This variant has been observed in one or more individuals affected with the associated recessive disease, as either homozygous or compound heterozygous with a second variant (PMID: 15480987, 12833420). Additionally, this variant has been observed to segregate in affected family members (PMID: 15480987). Another variant at this same site results in an alteration predicted to cause a similar molecular effect has been observed in individual(s) with the associated phenotype. Given the available evidence, this variant is classified as Pathogenic.

Women's Health and Genetics/Laboratory Corporation of America, LabCorp
Classification: Pathogenic for Cystic fibrosis. Last evaluated: 2024-02-21. Review status: criteria provided, single submitter. Criteria: LabCorp Variant Classification Summary - May 2015. Collection method: clinical testing. Allele origin: germline. Not counted in ClinVar's aggregate classification.
Comment: Variant summary: CFTR c.1766+1G>T is located in a canonical splice-site and is predicted to affect mRNA splicing resulting in a significantly altered protein due to either exon skipping, shortening, or inclusion of intronic material. Several computational tools predict a significant impact on normal splicing: Three predict the variant abolishes a canonical 5' splicing donor site. The variant was absent in 249234 control chromosomes (gnomAD). c.1766+1G>T has been reported in the literature in multiple individuals affected with Cystic Fibrosis (examples: Alibakhshi_2008, Hirtz_2004, Kanavakis_2003, Malone_1998, Crawford_1995). These data indicate that the variant is very likely to be associated with disease.The following publications have been ascertained in the context of this evaluation (PMID: 7689009, 7505689, 9482579, 12752573, 17662673, 15480987, 7537147). ClinVar contains an entry for this variant (Variation ID: 53377). Based on the evidence outlined above, the variant was classified as pathogenic.

Myriad Genetics, Inc.
Classification: Likely pathogenic for Cystic fibrosis. Last evaluated: 2019-12-04. Review status: criteria provided, single submitter. Criteria: Myriad Women's Health Autosomal Recessive and X-Linked Classification Criteria (2019). Collection method: clinical testing. Allele origin: unknown. Not counted in ClinVar's aggregate classification.
Comment: NM_000492.3(CFTR):c.1766+1G>T(aka 1898+1G>T) is classified as likely pathogenic in the context of cystic fibrosis. Sources cited for classification include the following: PMID 7537147, 15480987, 10671057, 18456578 and 16049310. Classification of NM_000492.3(CFTR):c.1766+1G>T(aka 1898+1G>T) is based on the following criteria: The variant is located at a canonical splice site, is expected to disrupt gene function and is reported in individuals with the relevant phenotype. Please note: this variant was assessed in the context of healthy population screening.

CeGaT Center for Human Genetics Tuebingen
Classification: Pathogenic. Last evaluated: 2017-01-01. Review status: criteria provided, single submitter. Criteria: CeGaT Center For Human Genetics Tuebingen Variant Classification Criteria Version 2. Collection method: clinical testing. Allele origin: germline. Affected: yes. Observed: 1 variant allele. Not counted in ClinVar's aggregate classification.

Literature cited by the submitters: PubMed 15480987 (cited by 3 submitters); PubMed 12833420 (cited by Natera, Inc.); PubMed 7689009 (cited by Women's Health and Genetics/Laboratory Corporation of America, LabCorp); PubMed 7505689 (cited by Women's Health and Genetics/Laboratory Corporation of America, LabCorp); PubMed 9482579 (cited by Women's Health and Genetics/Laboratory Corporation of America, LabCorp); PubMed 12752573 (cited by Women's Health and Genetics/Laboratory Corporation of America, LabCorp); PubMed 17662673 (cited by Women's Health and Genetics/Laboratory Corporation of America, LabCorp); PubMed 7537147 (cited by Women's Health and Genetics/Laboratory Corporation of America, LabCorp and Myriad Genetics, Inc.); PubMed 10671057 (cited by Myriad Genetics, Inc.); PubMed 18456578 (cited by Myriad Genetics, Inc.); PubMed 16049310 (cited by Myriad Genetics, Inc.).